The following is an entry in ClinVar:

NM_002474.3(MYH11):c.3197A>G (p.Asp1066Gly)

Gene: MYH11 (myosin heavy chain 11; minus strand). Cytogenetic location: 16p13.11.
Variant type: single nucleotide variant.
Coding change: c.3197A>G on transcript NM_002474.3 (MANE Select); coding-DNA position 3197, A replaced by G.
Protein change: p.Asp1066Gly; replaces aspartic acid 1066 with glycine.
Molecular consequence: missense variant.
Genome position (GRCh38, 1-based): chr16:15,737,545, T>C on the plus strand (A>G on the coding strand, the complement: MYH11 is on the minus strand). VCF-style: chr16-15737545-T-C. GRCh37 (hg19) VCF-style: chr16-15831402-T-C.
Other names: c.3218A>G, p.Asp1073Gly (NM_001040113.2, NM_001040114.2); c.3197A>G, p.Asp1066Gly (NM_022844.3); short protein forms D1073G, D1066G.
Identifiers: ClinVar variation 927782 (VCV000927782.5), dbSNP rs2041156611, ClinGen allele CA394863113.

ClinVar aggregate classification (germline): Uncertain significance (1 of 4 stars; one submission).

Conditions:
Familial thoracic aortic aneurysm and aortic dissection (TAAD). Also called: Thoracic aortic aneurysms and dissections. Identifiers: Orphanet 91387, MedGen C4707243, MONDO:0019625.

Submission:

Color Diagnostics, LLC DBA Color Health
Classification: Uncertain significance for Familial thoracic aortic aneurysm and aortic dissection. Last evaluated: 2023-12-05. Review status: criteria provided, single submitter. Criteria: ACMG Guidelines, 2015. Collection method: clinical testing. Allele origin: germline.
Comment: This missense variant replaces aspartic acid with glycine at codon 1073 of the MYH11 protein. Computational prediction tools and conservation analyses suggest that this variant may have deleterious impact on protein structure and function. Splice site prediction tools suggest that this variant may not impact RNA splicing. To our knowledge, functional studies have not been performed for this variant. This variant has not been reported in individuals affected with cardiovascular disorders in the literature. This variant has not been identified in the general population by the Genome Aggregation Database (gnomAD). The available evidence is insufficient to determine the role of this variant in disease conclusively. Therefore, this variant is classified as a Variant of Uncertain Significance.